The following is an entry in ClinVar:

ClinVar aggregate classification (germline): Uncertain significance (1 of 4 stars; one submission).

Conditions:
Townes syndrome (TBS). Also called: Townes-Brocks syndrome. Identifiers: Orphanet 857, MedGen C0265246, MeSH C536974, MONDO:0007142.

Allele frequency attached by ClinVar (database versions not stated): gnomAD exomes below 0.00001.
gnomAD v4.1: 2 of 1,614,240 alleles (0.00012%); highest among the groups gnomAD compares: Non-Finnish European, 0.00017%; no homozygotes.

Submission:

Labcorp Genetics (formerly Invitae), Labcorp
Classification: Uncertain significance for Townes syndrome. Last evaluated: 2025-04-17. Review status: criteria provided, single submitter. Criteria: Invitae Variant Classification Sherloc (09022015). Collection method: clinical testing. Allele origin: germline.
Comment: This sequence change replaces isoleucine, which is neutral and non-polar, with methionine, which is neutral and non-polar, at codon 710 of the SALL1 protein (p.Ile710Met). This variant is not present in population databases (gnomAD no frequency). This variant has not been reported in the literature in individuals affected with SALL1-related conditions. ClinVar contains an entry for this variant (Variation ID: 1918661). Invitae Evidence Modeling of protein sequence and biophysical properties (such as structural, functional, and spatial information, amino acid conservation, physicochemical variation, residue mobility, and thermodynamic stability) indicates that this missense variant is expected to disrupt SALL1 protein function with a positive predictive value of 80%. In summary, the available evidence is currently insufficient to determine the role of this variant in disease. Therefore, it has been classified as a Variant of Uncertain Significance.

NM_002968.3(SALL1):c.2130C>G (p.Ile710Met)

Gene: SALL1 (spalt like transcription factor 1; minus strand). Cytogenetic location: 16q12.1.
Variant type: single nucleotide variant.
Coding change: c.2130C>G on transcript NM_002968.3 (MANE Select); coding-DNA position 2130, C replaced by G.
Protein change: p.Ile710Met; replaces isoleucine 710 with methionine.
Molecular consequence: missense variant.
Genome position (GRCh38, 1-based): chr16:51,140,092, G>C on the plus strand (C>G on the coding strand, the complement: SALL1 is on the minus strand). VCF-style: chr16-51140092-G-C. GRCh37 (hg19) VCF-style: chr16-51174003-G-C.
Other names: c.1839C>G, p.Ile613Met (NM_001127892.2); short protein forms I613M, I710M.
Identifiers: ClinVar variation 1918661 (VCV001918661.5), dbSNP rs2506488256, ClinGen allele CA395886271.